The following is an entry in ClinVar:

ClinVar aggregate classification (germline): Uncertain significance (1 of 4 stars; one submission).

Conditions:
Microcephaly, normal intelligence and immunodeficiency (NBS). Also called: SEEMANOVA SYNDROME II; Immunodeficiency, microcephaly with normal intelligence; Ataxia telangiectasia variant V1; IMMUNODEFICIENCY, MICROCEPHALY, AND CHROMOSOMAL INSTABILITY; Nijmegen breakage syndrome; Microcephaly with normal intelligence immunodeficiency and lymphoreticular malignancies. Identifiers: Orphanet 647, MedGen C0398791, MONDO:0009623, OMIM 251260.

gnomAD v4.1: 1 of 1,613,064 alleles (0.000062%); no homozygotes.

Submission:

Myriad Genetics, Inc.
Classification: Uncertain significance for Microcephaly, normal intelligence and immunodeficiency. Last evaluated: 2026-03-13. Review status: criteria provided, single submitter. Criteria: Myriad Autosomal Dominant, Autosomal Recessive and X-Linked Classification Criteria (2023). Collection method: clinical testing. Allele origin: unknown.
Comment: NM_002485.4(NBN):c.1140G>T(R380S) is a missense variant classified as a variant of uncertain significance in the context of Nijmegen breakage syndrome. R380S has not been observed in cases with relevant disease. Relevant functional assessments of this variant are not available in the literature. R380S has not been observed in referenced population frequency databases. In summary, there is insufficient evidence to classify NM_002485.4(NBN):c.1140G>T(R380S) as pathogenic or benign. Please note: this variant was assessed in the context of healthy population screening.

NM_002485.5(NBN):c.1140G>T (p.Arg380Ser)

Gene: NBN (nibrin; minus strand). Cytogenetic location: 8q21.3.
Variant type: single nucleotide variant.
Coding change: c.1140G>T on transcript NM_002485.5 (MANE Select); coding-DNA position 1140, G replaced by T.
Protein change: p.Arg380Ser; replaces arginine 380 with serine.
Molecular consequence: missense variant.
Genome position (GRCh38, 1-based): chr8:89,955,540, C>A on the plus strand (G>T on the coding strand, the complement: NBN is on the minus strand). VCF-style: chr8-89955540-C-A. GRCh37 (hg19) VCF-style: chr8-90967768-C-A.
Other names: c.894G>T, p.Arg298Ser (NM_001024688.3, NM_001440379.1, NM_001440380.1); short protein forms R298S, R380S.
Identifiers: ClinVar variation 5003779 (VCV005003779.1).